The following is an entry in ClinVar:

ClinVar aggregate classification (germline): Uncertain significance (1 of 4 stars; one submission).

Submission:

GeneDx
Classification: Uncertain significance. Last evaluated: 2025-04-08. Review status: criteria provided, single submitter. Criteria: GeneDx Variant Classification Process June 2021. Collection method: clinical testing. Allele origin: germline. Affected: yes.
Comment: Not observed at significant frequency in large population cohorts (gnomAD); In silico analysis supports that this missense variant has a deleterious effect on protein structure/function; Has not been previously published as pathogenic or benign to our knowledge; Also known as

NM_000384.3(APOB):c.1133C>A (p.Thr378Asn)

Gene: APOB (apolipoprotein B; minus strand). Cytogenetic location: 2p24.1.
Variant type: single nucleotide variant.
Coding change: c.1133C>A on transcript NM_000384.3 (MANE Select); coding-DNA position 1133, C replaced by A.
Protein change: p.Thr378Asn; replaces threonine 378 with asparagine.
Molecular consequence: missense variant.
Genome position (GRCh38, 1-based): chr2:21,032,573, G>T on the plus strand (C>A on the coding strand, the complement: APOB is on the minus strand). VCF-style: chr2-21032573-G-T. GRCh37 (hg19) VCF-style: chr2-21255445-G-T.
Other names: short protein forms T378N.
Identifiers: ClinVar variation 4281823 (VCV004281823.1).